The following is an entry in ClinVar:

ClinVar aggregate classification (germline): Uncertain significance (1 of 4 stars; one submission).

Allele frequency attached by ClinVar (database versions not stated): gnomAD exomes below 0.00001.
gnomAD v4.1: 1 of 1,614,132 alleles (0.000062%); highest among the groups gnomAD compares: Admixed American, 0.0017%; no homozygotes.

Submission:

Labcorp Genetics (formerly Invitae), Labcorp
Classification: Uncertain significance. Last evaluated: 2024-01-02. Review status: criteria provided, single submitter. Criteria: Invitae Variant Classification Sherloc (09022015). Collection method: clinical testing. Allele origin: germline.
Comment: This sequence change replaces glutamine, which is neutral and polar, with histidine, which is basic and polar, at codon 662 of the EXTL3 protein (p.Gln662His). This variant is present in population databases (no rsID available, gnomAD 0.003%). This variant has not been reported in the literature in individuals affected with EXTL3-related conditions. Advanced modeling of protein sequence and biophysical properties (such as structural, functional, and spatial information, amino acid conservation, physicochemical variation, residue mobility, and thermodynamic stability) has been performed at Invitae for this missense variant, however the output from this modeling did not meet the statistical confidence thresholds required to predict the impact of this variant on EXTL3 protein function. In summary, the available evidence is currently insufficient to determine the role of this variant in disease. Therefore, it has been classified as a Variant of Uncertain Significance.

NM_001440.4(EXTL3):c.1986G>T (p.Gln662His)

Gene: EXTL3 (exostosin like glycosyltransferase 3; plus strand). Cytogenetic location: 8p21.1.
Variant type: single nucleotide variant.
Coding change: c.1986G>T on transcript NM_001440.4 (MANE Select); coding-DNA position 1986, G replaced by T.
Protein change: p.Gln662His; replaces glutamine 662 with histidine.
Molecular consequence: missense variant.
Genome position (GRCh38, 1-based): chr8:28,718,045, G>T. VCF-style: chr8-28718045-G-T. GRCh37 (hg19) VCF-style: chr8-28575562-G-T.
Other names: short protein forms Q662H.
Identifiers: ClinVar variation 2740864 (VCV002740864.3), dbSNP rs1479809719, ClinGen allele CA370861223.